The following is an entry in ClinVar:

ClinVar aggregate classification (germline): Pathogenic (1 of 4 stars; one submission).

Conditions:
Primary ciliary dyskinesia. Also called: Ciliary dyskinesia. Identifiers: Orphanet 244, MedGen C0008780, MONDO:0016575, HP:0012265.

Submission:

Labcorp Genetics (formerly Invitae), Labcorp
Classification: Pathogenic for Primary ciliary dyskinesia. Last evaluated: 2023-04-17. Review status: criteria provided, single submitter. Criteria: Invitae Variant Classification Sherloc (09022015). Collection method: clinical testing. Allele origin: germline.
Comment: For these reasons, this variant has been classified as Pathogenic. This variant has not been reported in the literature in individuals affected with DNAI2-related conditions. This variant is not present in population databases (gnomAD no frequency). This sequence change creates a premature translational stop signal (p.Val481Serfs*15) in the DNAI2 gene. It is expected to result in an absent or disrupted protein product. Loss-of-function variants in DNAI2 are known to be pathogenic (PMID: 18950741, 23891469).

Literature cited by the submitters: PubMed 18950741; PubMed 23891469.

NM_023036.6(DNAI2):c.1441del (p.Val481fs)

Gene: DNAI2 (dynein axonemal intermediate chain 2; plus strand). Cytogenetic location: 17q25.1.
Variant type: Deletion.
Coding change: c.1441del on transcript NM_023036.6 (MANE Select); coding-DNA position 1441, one base deleted (G; older notation c.1441delG).
Protein change: p.Val481fs; shifts the reading frame from valine 481.
Molecular consequence: frameshift variant. On other transcripts: non-coding transcript variant (1).
Genome position (GRCh38, 1-based): chr17:74,310,110, G deleted; the last of 2 consecutive G bases (chr17:74,310,109-74,310,110); deleting either gives the same sequence. VCF-style (leftmost placement, unchanged base first): chr17-74310108-AG-A. GRCh37 (hg19) VCF-style: chr17-72306247-AG-A.
Other names: c.1405del, p.Val469fs (NM_001172810.3); c.1441del, p.Val481fs (NM_001353167.2); short protein forms V469fs, V481fs.
Identifiers: ClinVar variation 2856966 (VCV002856966.3), dbSNP rs2509766795, ClinGen allele CA2739268353.
Genomic context (GRCh38, chr17:74,310,108, plus strand): 5'-TGCAGGACAATGGGTGTCTCATCGCCTGCGGCTCCCAGCTGGGGACAACCACCCTGCTGG[AG>A]GTCTCGCCTGGGCTCTCTACCCTCCAGAGGAATGAGAAGAACGTAGCCTCTTCCGTAAGC-3'